The following is an entry in ClinVar:

NM_001267550.2(TTN):c.55757T>C (p.Leu18586Pro)

Genes: TTN (titin; minus strand), TTN-AS1 (TTN antisense RNA 1; plus strand). Cytogenetic location: 2q31.2.
Variant type: single nucleotide variant.
Coding change: c.55757T>C on transcript NM_001267550.2 (MANE Select); coding-DNA position 55757, T replaced by C.
Protein change: p.Leu18586Pro; replaces leucine 18586 with proline.
Molecular consequence: missense variant.
Genome position (GRCh38, 1-based): chr2:178,601,147, A>G on the plus strand (T>C on the coding strand, the complement: TTN is on the minus strand). VCF-style: chr2-178601147-A-G. GRCh37 (hg19) VCF-style: chr2-179465874-A-G.
Other names: c.50834T>C, p.Leu16945Pro (NM_001256850.1); c.28562T>C, p.Leu9521Pro (NM_003319.4); c.48053T>C, p.Leu16018Pro (NM_133378.4); c.28937T>C, p.Leu9646Pro (NM_133432.3); c.29138T>C, p.Leu9713Pro (NM_133437.4); short protein forms L16018P, L16945P, L18586P, L9713P, L9521P, L9646P.
Identifiers: ClinVar variation 1796885 (VCV001796885.2), dbSNP rs2469986407, ClinGen allele CA349538010.

ClinVar aggregate classification (germline): Uncertain significance (1 of 4 stars; one submission).

Conditions:
Cardiovascular phenotype. Identifiers: MedGen CN230736.

Submission:

Ambry Genetics
Classification: Uncertain significance for Cardiovascular phenotype. Last evaluated: 2020-01-10. Review status: criteria provided, single submitter. Criteria: Ambry Variant Classification Scheme 2023. Collection method: clinical testing. Allele origin: germline.
Comment: The p.L9521P variant (also known as c.28562T>C), located in coding exon 115 of the TTN gene, results from a T to C substitution at nucleotide position 28562. The leucine at codon 9521 is replaced by proline, an amino acid with similar properties. This amino acid position is highly conserved in available vertebrate species. In addition, this alteration is predicted to be tolerated by in silico analysis. Since supporting evidence is limited at this time, the clinical significance of this alteration remains unclear.